The following is an entry in ClinVar:

ClinVar aggregate classification (germline): Uncertain significance (1 of 4 stars; one submission).

Allele frequency attached by ClinVar (database versions not stated): gnomAD exomes below 0.00001; ExAC 0.00001.
gnomAD v4.1: 1 of 1,211,903 alleles (0.000083%); highest among the groups gnomAD compares: Non-Finnish European, 0.00011%; no homozygotes.

Submission:

Labcorp Genetics (formerly Invitae), Labcorp
Classification: Uncertain significance. Last evaluated: 2022-10-04. Review status: criteria provided, single submitter. Criteria: Invitae Variant Classification Sherloc (09022015). Collection method: clinical testing. Allele origin: germline.
Comment: In summary, the available evidence is currently insufficient to determine the role of this variant in disease. Therefore, it has been classified as a Variant of Uncertain Significance. Algorithms developed to predict the effect of missense changes on protein structure and function are either unavailable or do not agree on the potential impact of this missense change (SIFT: "Deleterious"; PolyPhen-2: "Probably Damaging"; Align-GVGD: "Class C0"). This variant has not been reported in the literature in individuals affected with FRMD7-related conditions. This variant is present in population databases (rs781449121, gnomAD 0.001%). This sequence change replaces glutamic acid, which is acidic and polar, with lysine, which is basic and polar, at codon 606 of the FRMD7 protein (p.Glu606Lys).

NM_194277.3(FRMD7):c.1816G>A (p.Glu606Lys)

Gene: FRMD7 (FERM domain containing 7; minus strand). Cytogenetic location: Xq26.2.
Variant type: single nucleotide variant.
Coding change: c.1816G>A on transcript NM_194277.3 (MANE Select); coding-DNA position 1816, G replaced by A.
Protein change: p.Glu606Lys; replaces glutamic acid 606 with lysine.
Molecular consequence: missense variant.
Genome position (GRCh38, 1-based): chrX:132,078,201, C>T on the plus strand (G>A on the coding strand, the complement: FRMD7 is on the minus strand). VCF-style: chrX-132078201-C-T. GRCh37 (hg19) VCF-style: chrX-131212229-C-T.
Other names: c.1771G>A, p.Glu591Lys (NM_001306193.2); short protein forms E606K, E591K.
Identifiers: ClinVar variation 2063932 (VCV002063932.4), dbSNP rs781449121, ClinGen allele CA10518811.
Genomic context (GRCh38, chrX:132,078,201, plus strand): 5'-TATCCGTAAACAGGTCTGCTTTATGACTGAGAGCAGGACAAGGCCCTAAAGGTCTAAATT[C>T]TGACCCAAAAGGAAAACGAATAGTTTTCATGTCTGATTGGCTCTGGGACCTTTTAGGGGT-3'
Protein context (NP_919253.1, residues 596-616): MKTIRFPFGS[Glu606Lys]FRPLGPCPAL